The following is an entry in ClinVar:

NM_004183.4(BEST1):c.671T>G (p.Leu224Arg)

Gene: BEST1 (bestrophin 1; plus strand). Cytogenetic location: 11q12.3.
Variant type: single nucleotide variant.
Coding change: c.671T>G on transcript NM_004183.4 (MANE Select); coding-DNA position 671, T replaced by G.
Protein change: p.Leu224Arg; replaces leucine 224 with arginine.
Molecular consequence: missense variant. On other transcripts: non-coding transcript variant (1).
Genome position (GRCh38, 1-based): chr11:61,957,421, T>G. VCF-style: chr11-61957421-T-G. GRCh37 (hg19) VCF-style: chr11-61724893-T-G.
Other names: c.491T>G, p.Leu164Arg (NM_001139443.3, NM_001300786.2, NM_001300787.2); c.353T>G, p.Leu118Arg (NM_001363591.3); c.671T>G, p.Leu224Arg (NM_001363592.2); c.-505T>G (NM_001363593.3); short protein forms L164R, L118R, L224R.
Identifiers: ClinVar variation 1404062 (VCV001404062.6), dbSNP rs281865243, ClinGen allele CA380838635.
Genomic context (GRCh38, chr11:61,957,421, plus strand): 5'-CCCCATCCCCCTCTTCTGCCCCCCAGGAGATGAACACCTTGCGTACTCAGTGTGGACACC[T>G]GTATGCCTACGACTGGATTAGTATCCCACTGGTGTATACACAGGTGAGGACTAGGCTGGT-3'
Protein context (NP_004174.1, residues 214-234): MNTLRTQCGH[Leu224Arg]YAYDWISIPL

ClinVar aggregate classification (germline): Pathogenic (1 of 4 stars; one submission).

Submission:

Labcorp Genetics (formerly Invitae), Labcorp
Classification: Pathogenic. Last evaluated: 2022-06-13. Review status: criteria provided, single submitter. Criteria: Invitae Variant Classification Sherloc (09022015). Collection method: clinical testing. Allele origin: germline.
Comment: For these reasons, this variant has been classified as Pathogenic. This variant disrupts the p.Leu224 amino acid residue in BEST1. Other variant(s) that disrupt this residue have been determined to be pathogenic (PMID: 10798642, 10854112, 21878505). This suggests that this residue is clinically significant, and that variants that disrupt this residue are likely to be disease-causing. Algorithms developed to predict the effect of sequence changes on RNA splicing suggest that this variant may create or strengthen a splice site. Advanced modeling of protein sequence and biophysical properties (such as structural, functional, and spatial information, amino acid conservation, physicochemical variation, residue mobility, and thermodynamic stability) performed at Invitae indicates that this missense variant is expected to disrupt BEST1 protein function. This missense change has been observed in individuals with autosomal dominant Best vitilliform macular dystrophy (Invitae). This variant is not present in population databases (gnomAD no frequency). This sequence change replaces leucine, which is neutral and non-polar, with arginine, which is basic and polar, at codon 224 of the BEST1 protein (p.Leu224Arg).

Literature cited by the submitters: PubMed 10798642; PubMed 10854112; PubMed 21878505.